The following is an entry in ClinVar:

NM_130837.3(OPA1):c.1627G>A (p.Gly543Arg)

Gene: OPA1 (OPA1 mitochondrial dynamin like GTPase; plus strand). Cytogenetic location: 3q29.
Variant type: single nucleotide variant.
Coding change: c.1627G>A on transcript NM_130837.3 (MANE Select); coding-DNA position 1627, G replaced by A.
Protein change: p.Gly543Arg; replaces glycine 543 with arginine.
Molecular consequence: missense variant.
Genome position (GRCh38, 1-based): chr3:193,645,571, G>A. VCF-style: chr3-193645571-G-A. GRCh37 (hg19) VCF-style: chr3-193363360-G-A.
Other names: c.1093G>A, p.Gly365Arg (NM_001354663.2); c.1090G>A, p.Gly364Arg (NM_001354664.2); c.1462G>A, p.Gly488Arg (NM_015560.3); c.1354G>A, p.Gly452Arg (NM_130831.3); c.1408G>A, p.Gly470Arg (NM_130832.3); c.1465G>A, p.Gly489Arg (NM_130833.3); c.1516G>A, p.Gly506Arg (NM_130834.3); c.1519G>A, p.Gly507Arg (NM_130835.3); and 1 more; short protein forms G488R, G543R, G489R, G365R, G507R, G452R, G470R, G506R.
Identifiers: ClinVar variation 447893 (VCV000447893.2), dbSNP rs1553878554, ClinGen allele CA355790028.

ClinVar aggregate classification (germline): Likely pathogenic (1 of 4 stars; one submission).

Submission:

Athena Diagnostics
Classification: Likely pathogenic. Last evaluated: 2020-01-16. Review status: criteria provided, single submitter. Criteria: Athena Diagnostics Criteria. Collection method: clinical testing. Allele origin: unknown.
Comment: Not found in the total gnomAD dataset, and the data is high quality. Found in at least one patient with expected phenotype for this gene. Conflicting predictions of the effect on the protein. Located in potentially critical domain of the protein. Statistically associated with disease in a single family.

Literature cited by the submitters: PubMed 31875567; PubMed 25820230; PubMed 20157015; PubMed 29466734; PubMed 30076399.